The following is an entry in ClinVar:

ClinVar aggregate classification (germline): Pathogenic. Review status: criteria provided, multiple submitters, no conflicts (2 of 4 stars). 3 submissions from 3 submitters: Pathogenic (3). Last evaluated 2022-11-01.

Conditions:
Polycystic kidney disease, adult type (PKD1). Also called: Polycystic Kidney Disease 1, Autosomal Dominant; Polycystic kidney disease 1; Polycystic kidney disease 1, severe; Polycystic Kidney, Autosomal Dominant; POLYCYSTIC KIDNEY DISEASE 1 WITH OR WITHOUT POLYCYSTIC LIVER DISEASE; POLYCYSTIC KIDNEY DISEASE, ADULT, TYPE I. Identifiers: MedGen C3149841, MONDO:0008263, OMIM 173900.
Hepatic cysts. Identifiers: MedGen C0267834, HP:0001407.
Stage 5 chronic kidney disease. Also called: end stage renal failure; End-stage renal disease. Identifiers: MedGen C2316810, MONDO:0004375, HP:0003774.
Dilatation of the cerebral artery. Identifiers: MedGen C4476540, HP:0004944.

Submissions (3):

GeneDx
Classification: Pathogenic. Last evaluated: 2022-11-01. Review status: criteria provided, single submitter. Criteria: GeneDx Variant Classification Process June 2021. Collection method: clinical testing. Allele origin: germline. Affected: yes.
Comment: Frameshift variant predicted to result in protein truncation or nonsense mediated decay in a gene for which loss of function is a known mechanism of disease; Not observed at significant frequency in large population cohorts (gnomAD); This variant is associated with the following publications: (PMID: 17574468)

Fulgent Genetics
Classification: Pathogenic for Polycystic kidney disease, adult type. Last evaluated: 2021-07-08. Review status: criteria provided, single submitter. Criteria: ACMG Guidelines, 2015. Collection method: clinical testing. Allele origin: unknown.

Centre for Mendelian Genomics, University Medical Centre Ljubljana
Classification: Pathogenic for Dilatation of the cerebral artery; Hepatic cysts; Stage 5 chronic kidney disease. Last evaluated: 2015-01-28. Review status: criteria provided, single submitter. Criteria: ACMG Guidelines, 2015. Collection method: clinical testing. Allele origin: unknown. Affected: yes.

NM_001009944.3(PKD1):c.2079dup (p.Pro694fs)

Gene: PKD1 (polycystin 1, transient receptor potential channel interacting; minus strand). Cytogenetic location: 16p13.3.
Variant type: Duplication.
Coding change: c.2079dup on transcript NM_001009944.3 (MANE Select); coding-DNA position 2079, one base duplicated (G; older notation c.2079dupG).
Protein change: p.Pro694fs; shifts the reading frame from proline 694.
Molecular consequence: frameshift variant.
Genome position (GRCh38, 1-based): chr16:2,115,396, C duplicated on the plus strand (G on the coding strand, the reverse complement: PKD1 is on the minus strand); the first of 4 consecutive C bases (chr16:2,115,396-2,115,399); duplicating any one gives the same sequence. VCF-style (leftmost placement, unchanged base first): chr16-2115395-G-GC. GRCh37 (hg19) VCF-style: chr16-2165396-G-GC.
Other names: c.2079dup (NM_001009944.2); c.2079dup, p.Pro694fs (NM_000296.4); short protein forms P694fs.
Identifiers: ClinVar variation 374141 (VCV000374141.4), dbSNP rs1057518923, ClinGen allele CA16043510.